The following is an entry in ClinVar:

ClinVar aggregate classification (germline): Uncertain significance. Review status: criteria provided, multiple submitters, no conflicts (2 of 4 stars). 2 submissions from 2 submitters: Uncertain significance (2). Last evaluated 2023-09-22.

Conditions:
H syndrome. Also called: Asrar Facharzt Haque syndrome; HISTIOCYTOSIS AND LYMPHADENOPATHY WITH OR WITHOUT CUTANEOUS, CARDIAC, AND/OR ENDOCRINE FEATURES, JOINT CONTRACTURES, AND/OR DEAFNESS; HYPERPIGMENTATION, CUTANEOUS, WITH HYPERTRICHOSIS, HEPATOSPLENOMEGALY, HEART ANOMALIES, AND HYPOGONADISM WITH OR WITHOUT HEARING LOSS; PIGMENTED HYPERTRICHOSIS WITH INSULIN-DEPENDENT DIABETES MELLITUS; ROSAI-DORFMAN DISEASE, FAMILIAL; SINUS HISTIOCYTOSIS AND MASSIVE LYMPHADENOPATHY. Identifiers: Orphanet 168569, MedGen C1864445, MONDO:0011273, OMIM 602782.
Inborn genetic diseases. Identifiers: MedGen C0950123, MeSH D030342.

Allele frequency attached by ClinVar (database versions not stated): ESP Exome Variant Server 0.00008; gnomAD exomes 0.00012 and 0.00018; ExAC 0.00015; TOPMed 0.00015; gnomAD 0.00017 and 0.00018.
gnomAD v4.1: 294 of 1,613,754 alleles (0.018%); highest among the groups gnomAD compares: Non-Finnish European, 0.021%; no homozygotes.

Submissions (2):

Ambry Genetics
Classification: Uncertain significance for Inborn genetic diseases. Last evaluated: 2023-09-22. Review status: criteria provided, single submitter. Criteria: Ambry Variant Classification Scheme 2023. Collection method: clinical testing. Allele origin: germline.

Labcorp Genetics (formerly Invitae), Labcorp
Classification: Uncertain significance for H syndrome. Last evaluated: 2022-05-04. Review status: criteria provided, single submitter. Criteria: Invitae Variant Classification Sherloc (09022015). Collection method: clinical testing. Allele origin: germline.
Comment: This sequence change replaces glutamic acid, which is acidic and polar, with lysine, which is basic and polar, at codon 331 of the SLC29A3 protein (p.Glu331Lys). This variant is present in population databases (rs200004327, gnomAD 0.02%). This variant has not been reported in the literature in individuals affected with SLC29A3-related conditions. ClinVar contains an entry for this variant (Variation ID: 571766). Algorithms developed to predict the effect of missense changes on protein structure and function (SIFT, PolyPhen-2, Align-GVGD) all suggest that this variant is likely to be tolerated. In summary, the available evidence is currently insufficient to determine the role of this variant in disease. Therefore, it has been classified as a Variant of Uncertain Significance.

NM_018344.6(SLC29A3):c.991G>A (p.Glu331Lys)

Gene: SLC29A3 (solute carrier family 29 member 3; plus strand). Cytogenetic location: 10q22.1.
Variant type: single nucleotide variant.
Coding change: c.991G>A on transcript NM_018344.6 (MANE Select); coding-DNA position 991, G replaced by A.
Protein change: p.Glu331Lys; replaces glutamic acid 331 with lysine.
Molecular consequence: missense variant. On other transcripts: 3 prime UTR variant (1), non-coding transcript variant (2).
Genome position (GRCh38, 1-based): chr10:71,362,171, G>A. VCF-style: chr10-71362171-G-A. GRCh37 (hg19) VCF-style: chr10-73121928-G-A.
Other names: c.*220G>A (NM_001174098.2); c.757G>A, p.Glu253Lys (NM_001363518.2); short protein forms E331K, E253K.
Identifiers: ClinVar variation 571766 (VCV000571766.6), dbSNP rs200004327, ClinGen allele CA5543105.